The following is an entry in ClinVar:

ClinVar aggregate classification (germline): Uncertain significance (1 of 4 stars; one submission).

Submission:

Mayo Clinic Laboratories, Mayo Clinic
Classification: Uncertain significance. Last evaluated: 2024-10-29. Review status: criteria provided, single submitter. Criteria: ACMG Guidelines, 2015. Collection method: clinical testing. Allele origin: germline. Observed: 1 variant allele.
Comment: PP3, PM2_supporting

NM_018006.5(TRMU):c.249-8_249-3del

Gene: TRMU (tRNA mitochondrial 2-thiouridylase; plus strand). Cytogenetic location: 22q13.31.
Variant type: Deletion.
Coding change: c.249-8_249-3del on transcript NM_018006.5 (MANE Select); 8 bases into the intron before coding-DNA position 249 through 3 bases into the intron before coding-DNA position 249, 6 bases deleted (TATTCT; older notation c.249-8_249-3delTATTCT).
Molecular consequence: intron variant.
Genome position (GRCh38, 1-based): chr22:46,343,254-46,343,259, TATTCT deleted; deleting any 6 consecutive bases within chr22:46,343,253-46,343,259 gives the same sequence; the c. name uses the placement nearest the transcript's 3' end. VCF-style (leftmost placement, unchanged base first): chr22-46343252-TTTATTC-T. GRCh37 (hg19) VCF-style: chr22-46739149-TTTATTC-T.
Other names: p.?; c.249-8_249-3del (NM_001282785.2); c.14-3168_14-3163del (NM_001282782.2); c.-6-3168_-6-3163del (NM_001282783.2, NM_001282784.2).
Identifiers: ClinVar variation 4542459 (VCV004542459.1).